The following is an entry in ClinVar:

NM_004304.5(ALK):c.646C>G (p.Leu216Val)

Gene: ALK (ALK receptor tyrosine kinase; minus strand). Cytogenetic location: 2p23.1.
Variant type: single nucleotide variant.
Coding change: c.646C>G on transcript NM_004304.5 (MANE Select); coding-DNA position 646, C replaced by G.
Protein change: p.Leu216Val; replaces leucine 216 with valine.
Molecular consequence: missense variant.
Genome position (GRCh38, 1-based): chr2:29,920,014, G>C on the plus strand (C>G on the coding strand, the complement: ALK is on the minus strand). VCF-style: chr2-29920014-G-C. GRCh37 (hg19) VCF-style: chr2-30142880-G-C.
Other names: short protein forms L216V.
Identifiers: ClinVar variation 648894 (VCV000648894.12), dbSNP rs1035402110, ClinGen allele CA45004741.

ClinVar aggregate classification (germline): Uncertain significance. Review status: criteria provided, multiple submitters, no conflicts (2 of 4 stars). 3 submissions from 3 submitters: Uncertain significance (3). Last evaluated 2025-06-10.

Conditions:
Hereditary cancer-predisposing syndrome. Also called: Hereditary Cancer Syndrome; Tumor predisposition; Neoplastic Syndromes, Hereditary; Hereditary neoplastic syndrome. Identifiers: Orphanet 140162, MedGen C0027672, MeSH D009386, MONDO:0015356.
Neuroblastoma, susceptibility to, 3. Also called: ALK-Related Neuroblastic Tumor Susceptibility. Identifiers: Orphanet 635, MedGen C2751681, MONDO:0013083, OMIM 613014.

Allele frequency attached by ClinVar (database versions not stated): gnomAD exomes below 0.00001.
gnomAD v4.1: 1 of 1,614,040 alleles (0.000062%); highest among the groups gnomAD compares: Admixed American, 0.0017%; no homozygotes.

Submissions (3):

Labcorp Genetics (formerly Invitae), Labcorp
Classification: Uncertain significance for Neuroblastoma, susceptibility to, 3. Last evaluated: 2025-06-10. Review status: criteria provided, single submitter. Criteria: Invitae Variant Classification Sherloc (09022015). Collection method: clinical testing. Allele origin: germline.
Comment: This sequence change replaces leucine, which is neutral and non-polar, with valine, which is neutral and non-polar, at codon 216 of the ALK protein (p.Leu216Val). This variant is present in population databases (no rsID available, gnomAD 0.003%). This variant has not been reported in the literature in individuals affected with ALK-related conditions. ClinVar contains an entry for this variant (Variation ID: 648894). An algorithm developed to predict the effect of missense changes on protein structure and function (PolyPhen-2) suggests that this variant is likely to be tolerated. In summary, the available evidence is currently insufficient to determine the role of this variant in disease. Therefore, it has been classified as a Variant of Uncertain Significance.

Ambry Genetics
Classification: Uncertain significance for Hereditary cancer-predisposing syndrome. Last evaluated: 2024-12-23. Review status: criteria provided, single submitter. Criteria: Ambry Variant Classification Scheme 2023. Collection method: clinical testing. Allele origin: germline.
Comment: The p.L216V variant (also known as c.646C>G), located in coding exon 1 of the ALK gene, results from a C to G substitution at nucleotide position 646. The leucine at codon 216 is replaced by valine, an amino acid with highly similar properties. This amino acid position is conserved. In addition, this alteration is predicted to be tolerated by in silico analysis. Based on the available evidence, the clinical significance of this variant remains unclear.

Fulgent Genetics
Classification: Uncertain significance for Neuroblastoma, susceptibility to, 3. Last evaluated: 2024-05-16. Review status: criteria provided, single submitter. Criteria: ACMG Guidelines, 2015. Collection method: clinical testing. Allele origin: germline.